The following is an entry in ClinVar:

ClinVar aggregate classification (germline): Uncertain significance. Review status: criteria provided, multiple submitters, no conflicts (2 of 4 stars). 18 submissions from 17 submitters: Uncertain significance (12). 6 of the submissions do not count toward it. Last evaluated 2026-01-27.

Conditions:
Hereditary cancer-predisposing syndrome. Also called: Hereditary Cancer Syndrome; Neoplastic Syndromes, Hereditary; Tumor predisposition; Hereditary neoplastic syndrome. Identifiers: Orphanet 140162, MedGen C0027672, MeSH D009386, MONDO:0015356.
Familial cancer of breast. Also called: BREAST CANCER, FAMILIAL; Hereditary breast cancer; hereditary breast carcinoma. Identifiers: Orphanet 227535, MedGen C0346153, MONDO:0016419, OMIM 114480. Disease mechanism: loss of function.
Fanconi anemia complementation group J. Also called: BRIP1-Related Fanconi Anemia. Identifiers: Orphanet 84, MedGen C1836860, MONDO:0012187, OMIM 609054.
Ovarian cancer. Also called: OVARIAN CANCER, SOMATIC. Identifiers: Orphanet 213500, MedGen C1140680, MONDO:0008170, OMIM 167000.

Allele frequency attached by ClinVar (database versions not stated): TOPMed 0.00004.
gnomAD v4.1: 39 of 1,610,912 alleles (0.0024%); highest among the groups gnomAD compares: Non-Finnish European, 0.0031%; no homozygotes.

Submissions (18):

Labcorp Genetics (formerly Invitae), Labcorp
Classification: Uncertain significance for Familial cancer of breast; Fanconi anemia complementation group J. Last evaluated: 2026-01-27. Review status: criteria provided, single submitter. Criteria: Invitae Variant Classification Sherloc (09022015). Collection method: clinical testing. Allele origin: germline.
Comment: This sequence change replaces serine, which is neutral and polar, with leucine, which is neutral and non-polar, at codon 624 of the BRIP1 protein (p.Ser624Leu). This variant is present in population databases (rs587781321, gnomAD 0.004%). This missense change has been observed in individual(s) with breast cancer (PMID: 26921362). ClinVar contains an entry for this variant (Variation ID: 186440). Invitae Evidence Modeling of protein sequence and biophysical properties (such as structural, functional, and spatial information, amino acid conservation, physicochemical variation, residue mobility, and thermodynamic stability) has been performed for this missense variant. However, the output from this modeling did not meet the statistical confidence thresholds required to predict the impact of this variant on BRIP1 protein function. Studies have shown that this missense change is associated with inconclusive levels of altered splicing (internal data). In summary, the available evidence is currently insufficient to determine the role of this variant in disease. Therefore, it has been classified as a Variant of Uncertain Significance.

Ambry Genetics
Classification: Uncertain significance for Hereditary cancer-predisposing syndrome. Last evaluated: 2025-01-31. Review status: criteria provided, single submitter. Criteria: Ambry Variant Classification Scheme 2023. Collection method: clinical testing. Allele origin: germline.
Comment: The p.S624L variant (also known as c.1871C>T), located in coding exon 12 of the BRIP1 gene, results from a C to T substitution at nucleotide position 1871. The serine at codon 624 is replaced by leucine, an amino acid with dissimilar properties. This alteration has been identified in multiple individuals diagnosed with breast cancer (Easton DF et al. J. Med. Genet. 2016 05;53:298-309; Guindalini RSC et al. Sci Rep, 2022 Mar;12:4190). This alteration has also been reported in an individual from a colorectal cancer cohort and an individual from a high-risk colorectal cancer family (Pearlman R et al. JAMA Oncol, 2017 Apr;3:464-471; Martin-Morales L et al. PLoS One, 2018 Sep;13:e0203885). This amino acid position is highly conserved in available vertebrate species. In addition, the in silico prediction for this alteration is inconclusive. Based on the available evidence, the clinical significance of this alteration remains unclear.

Color Diagnostics, LLC DBA Color Health
Classification: Uncertain significance for Hereditary cancer-predisposing syndrome. Last evaluated: 2024-09-17. Review status: criteria provided, single submitter. Criteria: ACMG Guidelines, 2015. Collection method: clinical testing. Allele origin: germline.
Comment: This missense variant replaces serine with leucine at codon 624 of the BRIP1 protein. Computational prediction is inconclusive regarding the impact of this variant on protein structure and function. To our knowledge, functional studies have not been reported for this variant. This variant has been reported in an individual affected with breast cancer (PMID: 26921362) and in a control individual in a ovarian cancer case-control study (PMID: 26315354). This variant has also been identified in 4/251444 chromosomes in the general population by the Genome Aggregation Database (gnomAD). The available evidence is insufficient to determine the role of this variant in disease conclusively. Therefore, this variant is classified as a Variant of Uncertain Significance.

Quest Diagnostics Nichols Institute San Juan Capistrano
Classification: Uncertain significance. Last evaluated: 2023-11-14. Review status: criteria provided, single submitter. Criteria: Quest Diagnostics criteria. Collection method: clinical testing. Allele origin: unknown.
Comment: The BRIP1 c.1871C>T (p.Ser624Leu) variant has been reported in the published literature in in individuals with breast cancer (PMID: 35264596 (2022), 26921362 (2016)), colorectal cancer (PMID: 30256826 (2018), 29596542 (2018), 28135145 (2017), 27978560 (2016)) as well as in an unaffected individual (PMID: 26315354 (2015)). In a large scale breast cancer association study, the variant was observed in individuals with breast cancer as well as in an unaffected individuals (PMID: 33471991 (2021), see also LOVD). The frequency of this variant in the general population, 0.000071 (3/42214 chromosomes (Genome Aggregation Database)), is uninformative in the assessment of its pathogenicity. Analysis of this variant using bioinformatics tools for the prediction of the effect of amino acid changes on protein structure and function yielded conflicting predictions that this variant is benign or damaging. Based on the available information, we are unable to determine the clinical significance of this variant.

GeneDx
Classification: Uncertain significance. Last evaluated: 2023-10-12. Review status: criteria provided, single submitter. Criteria: GeneDx Variant Classification Process June 2021. Collection method: clinical testing. Allele origin: germline. Affected: yes.
Comment: Not observed at significant frequency in large population cohorts (gnomAD); In silico analysis supports that this missense variant has a deleterious effect on protein structure/function; Observed in individuals with colorectal, breast, and other cancers (Ballinger 2016, Easton 2016, Pearlman 2017, Yurgelun 2017, Hampel 2018, Martin-Morales 2018; Ticha et al., 2019; Guindalini et al., 2022); This variant is associated with the following publications: (PMID: 26921362, 26315354, 27498913, 27978560, 28135145, 26205736, 29596542, 30256826, 33471991, 35264596, 35451682, 33773808, 31745173)

Baylor Genetics
Classification: Uncertain significance for Familial cancer of breast. Last evaluated: 2023-09-22. Review status: criteria provided, single submitter. Criteria: ACMG Guidelines, 2015. Collection method: clinical testing. Allele origin: unknown.

Department of Pathology and Laboratory Medicine, Sinai Health System
Classification: Uncertain significance for Familial cancer of breast. Last evaluated: 2023-05-25. Review status: criteria provided, single submitter. Criteria: ACMG Guidelines, 2015. Collection method: clinical testing. Allele origin: germline. Affected: yes.

Myriad Genetics, Inc.
Classification: Uncertain significance for Familial cancer of breast. Last evaluated: 2023-02-28. Review status: criteria provided, single submitter. Criteria: Myriad Autosomal Dominant, Autosomal Recessive and X-Linked Classification Criteria (2023). Collection method: clinical testing. Allele origin: unknown.
Comment: This variant is classified as a variant of uncertain significance as there is insufficient evidence to determine its impact on protein function and/or cancer risk.

Sema4
Classification: Uncertain significance for Hereditary cancer-predisposing syndrome. Last evaluated: 2021-10-29. Review status: criteria provided, single submitter. Criteria: Sema4 Curation Guidelines. Collection method: curation. Allele origin: germline.
Comment: The BRIP1 c.1871C>T (p.S624L) variant has been reported in individuals with breast cancer and colorectal cancer (PMID: 26921362, 27978560, 28135145, 29596542, 30256826). A large case-control study observed the variant in 5/60466 breast cancer cases and in 2/53461 controls (PMID: 33471991). It was observed in 4/113738 chromosomes of the Non-Finnish European subpopulation in the large and broad cohorts of the Genome Aggregation Database (PMID: 32461654). The variant has been reported in ClinVar (Variation ID: 186440). Functional studies have not been performed, and in silico predictions of the variant's effect on protein function are inconclusive. The evidence is insufficient to meet ACMG/AMP criteria for classifying the variant as benign or pathogenic. Thus, the clinical significance of this variant is currently uncertain.

Institute of Human Genetics, University of Leipzig Medical Center
Classification: Uncertain significance for Familial cancer of breast. Last evaluated: 2019-01-01. Review status: criteria provided, single submitter. Criteria: ACMG Guidelines, 2015. Collection method: clinical testing. Allele origin: unknown. Affected: yes.

Mendelics
Classification: Uncertain significance for Fanconi anemia, complementation group J. Last evaluated: 2018-07-02. Review status: criteria provided, single submitter. Criteria: Mendelics Assertion Criteria 2017. Collection method: clinical testing. Allele origin: unknown.

PreventionGenetics, part of Exact Sciences
Classification: Uncertain significance. Last evaluated: 2017-08-25. Review status: criteria provided, single submitter. Criteria: ACMG Guidelines, 2015. Collection method: clinical testing. Allele origin: germline.

Zotz-Klimas Genetics Lab, MVZ Zotz Klimas
Classification: Uncertain significance for Familial cancer of breast. Last evaluated: 2023-11-24. Review status: no assertion criteria provided. Collection method: clinical testing. Allele origin: germline. Affected: yes. Not counted in ClinVar's aggregate classification.

Counsyl
Classification: Uncertain significance for Fanconi anemia complementation group J. Last evaluated: 2016-08-17. Review status: no assertion criteria provided. Collection method: clinical testing. Allele origin: unknown. Not counted in ClinVar's aggregate classification.

Counsyl
Classification: Uncertain significance for Ovarian cancer. Last evaluated: 2016-08-17. Review status: no assertion criteria provided. Collection method: clinical testing. Allele origin: unknown. Not counted in ClinVar's aggregate classification.

Clinical Genetics Laboratory, Department of Pathology, Netherlands Cancer Institute
Classification: Uncertain significance. Review status: no assertion criteria provided. Collection method: clinical testing. Allele origin: germline. Affected: yes. Study: VKGL Data-share Consensus. Not counted in ClinVar's aggregate classification.

Diagnostic Laboratory, Department of Genetics, University Medical Center Groningen
Classification: Uncertain significance. Review status: no assertion criteria provided. Collection method: clinical testing. Allele origin: germline. Affected: yes. Study: VKGL Data-share Consensus. Not counted in ClinVar's aggregate classification.

Joint Genome Diagnostic Labs from Nijmegen and Maastricht, Radboudumc and MUMC+
Classification: Uncertain significance. Review status: no assertion criteria provided. Collection method: clinical testing. Allele origin: germline. Affected: yes. Study: VKGL Data-share Consensus. Not counted in ClinVar's aggregate classification.

Literature cited by the submitters: PubMed 26921362 (cited by 6 submitters); PubMed 26315354 (cited by 4 submitters); PubMed 27978560 (cited by 3 submitters); PubMed 28135145 (cited by 3 submitters); PubMed 30256826 (cited by 3 submitters); PubMed 35264596 (cited by Ambry Genetics and Quest Diagnostics Nichols Institute San Juan Capistrano); PubMed 33471991 (cited by Quest Diagnostics Nichols Institute San Juan Capistrano and Sema4); PubMed 29596542 (cited by Quest Diagnostics Nichols Institute San Juan Capistrano and Sema4).

NM_032043.3(BRIP1):c.1871C>T (p.Ser624Leu)

Gene: BRIP1 (BRCA1 interacting DNA helicase 1; minus strand). Cytogenetic location: 17q23.2.
Variant type: single nucleotide variant.
Coding change: c.1871C>T on transcript NM_032043.3 (MANE Select); coding-DNA position 1871, C replaced by T.
Protein change: p.Ser624Leu; replaces serine 624 with leucine.
Molecular consequence: missense variant.
Genome position (GRCh38, 1-based): chr17:61,780,325, G>A on the plus strand (C>T on the coding strand, the complement: BRIP1 is on the minus strand). VCF-style: chr17-61780325-G-A. GRCh37 (hg19) VCF-style: chr17-59857686-G-A.
Other names: short protein forms S624L.
Identifiers: ClinVar variation 186440 (VCV000186440.40), dbSNP rs587781321, ClinGen allele CA194817.